The following is an entry in ClinVar:

ClinVar aggregate classification (germline): Pathogenic (1 of 4 stars; one submission).

Conditions:
Marfan syndrome (MFS). Also called: MARFAN SYNDROME, TYPE I; FBN1-Related Marfan Syndrome; Marfan syndrome type 1; Marfan's syndrome; Marfan syndrome, classic. Identifiers: Orphanet 284963, Orphanet 558, MedGen C0024796, MONDO:0007947, OMIM 154700.
Familial thoracic aortic aneurysm and aortic dissection (TAAD). Also called: Thoracic aortic aneurysms and dissections. Identifiers: Orphanet 91387, MedGen C4707243, MONDO:0019625.

Submission:

Labcorp Genetics (formerly Invitae), Labcorp
Classification: Pathogenic for Marfan syndrome; Familial thoracic aortic aneurysm and aortic dissection. Last evaluated: 2023-10-03. Review status: criteria provided, single submitter. Criteria: Invitae Variant Classification Sherloc (09022015). Collection method: clinical testing. Allele origin: germline.
Comment: This sequence change falls in intron 37 of the FBN1 gene. It does not directly change the encoded amino acid sequence of the FBN1 protein. RNA analysis indicates that this variant induces altered splicing and likely results in a shortened protein product. This variant is not present in population databases (gnomAD no frequency). This variant has been observed in individuals with clinical features of Marfan syndrome (PMID: 11251996; Invitae). ClinVar contains an entry for this variant (Variation ID: 457218). Variants that disrupt the consensus splice site are a relatively common cause of aberrant splicing (PMID: 17576681, 9536098). Studies have shown that this variant results in skipping of exon 37, but is expected to preserve the integrity of the reading-frame (PMID: 11251996). This variant affects a cysteine residue in the EGF-like, TGFBP or hybrid motif domains of FBN1. Cysteine residues are believed to be involved in intramolecular disulfide bridges and have been shown to be important for FBN1 protein structure (PMID: 16905551, 19349279). In addition, missense substitutions affecting cysteine residues within these domains are significantly overrepresented among patients with Marfan syndrome (PMID: 16571647, 17701892). For these reasons, this variant has been classified as Pathogenic.

Literature cited by the submitters: PubMed 11251996; PubMed 17576681; PubMed 9536098; PubMed 16905551; PubMed 19349279; PubMed 16571647; PubMed 17701892.

NM_000138.5(FBN1):c.4582+2dup

Gene: FBN1 (fibrillin 1; minus strand). Cytogenetic location: 15q21.1.
Variant type: Duplication.
Coding change: c.4582+2dup on transcript NM_000138.5 (MANE Select); the canonical splice donor site of the intron after coding-DNA position 4582, one base duplicated (T; older notation c.4582+2dupT).
Molecular consequence: splice donor variant.
Genome position (GRCh38, 1-based): chr15:48,468,410, A duplicated on the plus strand (T on the coding strand, the reverse complement: FBN1 is on the minus strand). VCF-style (leftmost placement, unchanged base first): chr15-48468409-T-TA. GRCh37 (hg19) VCF-style: chr15-48760606-T-TA.
Other names: c.4582+2dupT (NM_000138.4).
Identifiers: ClinVar variation 457218 (VCV000457218.7), dbSNP rs1555397194, ClinGen allele CA658656480.